The following is an entry in ClinVar:

ClinVar aggregate classification (germline): Pathogenic. Review status: reviewed by expert panel (3 of 4 stars). 14 submissions from 14 submitters: Pathogenic (1). 13 of the submissions do not count toward it. Last evaluated 2016-09-08.

Conditions:
Breast-ovarian cancer, familial, susceptibility to, 2 (BROVCA2). Also called: BRCA2 Hereditary Breast and Ovarian Cancer. Identifiers: Orphanet 145, MedGen C2675520, MONDO:0012933, OMIM 612555. Disease mechanism: loss of function.
Fanconi anemia complementation group D1. Also called: BRCA2-Related Fanconi Anemia. Identifiers: Orphanet 319462, MedGen C1838457, MONDO:0011584, OMIM 605724.
Medulloblastoma (MDB). Also called: MEDULLOBLASTOMA PREDISPOSITION SYNDROME; Medulloblastoma, somatic. Identifiers: Orphanet 616, MedGen C0025149, MeSH D008527, MONDO:0007959, OMIM 155255, HP:0002885.
Pancreatic cancer, susceptibility to, 2. Identifiers: Orphanet 1333, MedGen C3150546, MONDO:0013235, OMIM 613347.
Glioma susceptibility 3 (GLM3). Also called: Glioblastoma 3. Identifiers: Orphanet 182067, Orphanet 360, MedGen C2751641, MONDO:0013093, OMIM 613029.
Wilms tumor 1 (WT1). Also called: Wilms tumor, somatic. Identifiers: Orphanet 654, MedGen CN033288, MONDO:0008679, OMIM 194070.
Familial cancer of breast. Also called: hereditary breast carcinoma; BREAST CANCER, FAMILIAL; Hereditary breast cancer. Identifiers: Orphanet 227535, MedGen C0346153, MONDO:0016419, OMIM 114480. Disease mechanism: loss of function.
Prostate cancer. Also called: Malignant tumor of prostate. Identifiers: Orphanet 1331, MedGen C0376358, MONDO:0008315, HP:0012125.
Hereditary cancer-predisposing syndrome. Also called: Hereditary Cancer Syndrome; Neoplastic Syndromes, Hereditary; Hereditary neoplastic syndrome; Tumor predisposition. Identifiers: Orphanet 140162, MedGen C0027672, MeSH D009386, MONDO:0015356.
Hereditary breast ovarian cancer syndrome. Also called: Hereditary breast and ovarian cancer syndrome; Breast and ovarian cancer; Hereditary breast and ovarian cancer syndrome (HBOC); BRCA1- and BRCA2-Associated Hereditary Breast and Ovarian Cancer; Hereditary breast and/or ovarian cancer syndrome; Hereditary breast and ovarian cancer. Identifiers: Orphanet 145, MedGen C0677776, MeSH D061325, MONDO:0003582. Disease mechanism: loss of function.

Submissions 1 to 9 of 14:

Evidence-based Network for the Interpretation of Germline Mutant Alleles (ENIGMA)
Classification: Pathogenic for Breast-ovarian cancer, familial, susceptibility to, 2. Last evaluated: 2016-09-08. Review status: reviewed by expert panel. Criteria: ENIGMA BRCA1/2 Classification Criteria (2015). Collection method: curation. Allele origin: germline.
Comment: Variant allele predicted to encode a truncated non-functional protein.

Labcorp Genetics (formerly Invitae), Labcorp
Classification: Pathogenic for Hereditary breast ovarian cancer syndrome. Last evaluated: 2025-08-10. Review status: criteria provided, single submitter. Criteria: Invitae Variant Classification Sherloc (09022015). Collection method: clinical testing. Allele origin: germline. Not counted in ClinVar's aggregate classification.
Comment: This sequence change creates a premature translational stop signal (p.Ile2149Serfs*25) in the BRCA2 gene. It is expected to result in an absent or disrupted protein product. Loss-of-function variants in BRCA2 are known to be pathogenic (PMID: 20104584). This variant is not present in population databases (gnomAD no frequency). This premature translational stop signal has been observed in individual(s) with breast and/or ovarian cancer (PMID: 15131399, 20858050). ClinVar contains an entry for this variant (Variation ID: 52102). For these reasons, this variant has been classified as Pathogenic.

Quest Diagnostics Nichols Institute San Juan Capistrano
Classification: Pathogenic. Last evaluated: 2024-12-10. Review status: criteria provided, single submitter. Criteria: Quest Diagnostics criteria. Collection method: clinical testing. Allele origin: unknown. Not counted in ClinVar's aggregate classification.
Comment: The BRCA2 c.6446_6450del (p.Ile2149Serfs*25) variant alters the translational reading frame of the BRCA2 mRNA and causes the premature termination of BRCA2 protein synthesis. This variant has been reported in the published literature in individuals with breast cancer (PMID: 19340607 (2009), 26023681 (2015), 24249303 (2015), 30287823 (2018), 35218119 (2022)), ovarian cancer (PMID: 29464067 (2018)), pancreatic cancer (PMID: 32980694 (2020)), and prostate cancer (PMID: 31214711 (2020)). This variant has not been reported in large, multi-ethnic general populations (Genome Aggregation Database). Based on the available information, this variant is classified as pathogenic.

Ambry Genetics
Classification: Pathogenic for Hereditary cancer-predisposing syndrome. Last evaluated: 2023-07-11. Review status: criteria provided, single submitter. Criteria: Ambry Variant Classification Scheme 2023. Collection method: clinical testing. Allele origin: germline. Not counted in ClinVar's aggregate classification.
Comment: The c.6446_6450delTTAAA pathogenic mutation, located in coding exon 10 of the BRCA2 gene, results from a deletion of 5 nucleotides at nucleotide positions 6446 to 6450, causing a translational frameshift with a predicted alternate stop codon (p.I2149Sfs*25). This pathogenic mutation has been reported in individuals with HBOC-related cancers (Lubinski J et al. Fam. Cancer. 2004;3(1):1-10; Dworkin AM et al. Fam. Cancer 2009 Apr;8(4):339-46; Foley SB et al. EBioMedicine 2015 Jan;2(1):74-81), and in Japanese breast cancer cohorts (Nakamura S et al. Breast Cancer 2015 Sep;22(5):462-8; Kwong A et al. J. Med. Genet. 2016 Jan;53(1):15-23; Momozawa Y et al. Nat. Commun. 2018 10;9(1):4083). Of note, this alteration is also designated as 6674del5 in published literature. In addition to the clinical data presented in the literature, this alteration is expected to result in loss of function by premature protein truncation or nonsense-mediated mRNA decay. As such, this alteration is interpreted as a disease-causing mutation.

Fulgent Genetics
Classification: Pathogenic for Familial cancer of breast; Medulloblastoma; Familial prostate cancer; Wilms tumor 1; Fanconi anemia complementation group D1; Breast-ovarian cancer, familial, susceptibility to, 2; Glioma susceptibility 3; Pancreatic cancer, susceptibility to, 2. Last evaluated: 2022-03-13. Review status: criteria provided, single submitter. Criteria: ACMG Guidelines, 2015. Collection method: clinical testing. Allele origin: unknown. Not counted in ClinVar's aggregate classification.

Baylor Genetics
Classification: Pathogenic for Familial cancer of breast. Last evaluated: 2022-01-21. Review status: criteria provided, single submitter. Criteria: ACMG Guidelines, 2015. Collection method: clinical testing. Allele origin: unknown. Not counted in ClinVar's aggregate classification.

Women's Health and Genetics/Laboratory Corporation of America, LabCorp
Classification: Pathogenic for Hereditary breast ovarian cancer syndrome. Last evaluated: 2021-03-14. Review status: criteria provided, single submitter. Criteria: LabCorp Variant Classification Summary - May 2015. Collection method: clinical testing. Allele origin: germline. Not counted in ClinVar's aggregate classification.
Comment: Variant summary: BRCA2 c.6446_6450delTTAAA (p.Ile2149SerfsX25) results in a premature termination codon, predicted to cause a truncation of the encoded protein or absence of the protein due to nonsense mediated decay, which are commonly known mechanisms for disease. Truncations downstream of this position have been classified as pathogenic by our laboratory. The variant was absent in 230326 control chromosomes. c.6446_6450delTTAAA has been reported in the literature in individuals affected with Hereditary Breast And Ovarian Cancer Syndrome (example, Coulet_2010, Dworkin_2009, Nakamura_2013, Lubinski_2004, Kanke_2018, Kwong_2015). These data indicate that the variant is likely to be associated with disease. Four clinical diagnostic laboratories, one expert panel (ENIGMA) and a consortium (CIMBA) have submitted clinical-significance assessments for this variant to ClinVar after 2014. All submitters classified the variant as pathogenic. Based on the evidence outlined above, the variant was classified as pathogenic.

GeneDx
Classification: Pathogenic. Last evaluated: 2020-10-01. Review status: criteria provided, single submitter. Criteria: GeneDx Variant Classification Process June 2021. Collection method: clinical testing. Allele origin: germline. Affected: yes. Not counted in ClinVar's aggregate classification.
Comment: Frameshift variant predicted to result in protein truncation or nonsense mediated decay in a gene for which loss-of-function is a known mechanism of disease; Observed in individuals with BRCA2-related cancers (Lubinksi 2004, Dworkin 2009, Foley 2015, Nakamura 2015, Kanke 2018, Momozawa 2018); Not observed in large population cohorts (Lek 2016); Truncating variants in this gene are considered pathogenic by a well-established clinical consortium and/or database; Also known as 6445_6449del5, 6674del5, or 6674_6678delTTAAA; This variant is associated with the following publications: (PMID: 31214711, 29176636, 19340607, 20858050, 24249303, 26023681, 26187060, 29464067, 30287823, 15131399)

Color Diagnostics, LLC DBA Color Health
Classification: Pathogenic for Hereditary cancer-predisposing syndrome. Last evaluated: 2020-01-15. Review status: criteria provided, single submitter. Criteria: ACMG Guidelines, 2015. Collection method: clinical testing. Allele origin: germline. Not counted in ClinVar's aggregate classification.
Comment: This variant deletes 5 nucleotides in exon 11 of the BRCA2 gene, creating a frameshift and premature translation stop signal. This variant is expected to result in an absent or non-functional protein product. This variant has not been identified in the general population by the Genome Aggregation Database (gnomAD). Loss of BRCA2 function is a known mechanism of disease. Based on the available evidence, this variant is classified as Pathogenic.

NM_000059.4(BRCA2):c.6446_6450del (p.Ile2149fs)

Gene: BRCA2 (BRCA2 DNA repair associated; plus strand). Cytogenetic location: 13q13.1.
Variant type: Deletion.
Coding change: c.6446_6450del on transcript NM_000059.4 (MANE Select); coding-DNA positions 6446 to 6450, 5 bases deleted (TTAAA; older notation c.6446_6450delTTAAA).
Protein change: p.Ile2149fs; shifts the reading frame from isoleucine 2149.
Molecular consequence: frameshift variant.
Genome position (GRCh38, 1-based): chr13:32,340,801-32,340,805, TTAAA deleted; deleting any 5 consecutive bases within chr13:32,340,800-32,340,805 gives the same sequence; the c. name uses the placement nearest the transcript's 3' end. VCF-style (leftmost placement, unchanged base first): chr13-32340799-TATTAA-T. GRCh37 (hg19) VCF-style: chr13-32914936-TATTAA-T.
Other names: 6674del5; c.6446_6450delTTAAA (NM_000059.3).
Identifiers: ClinVar variation 52102 (VCV000052102.34), dbSNP rs80359593, ClinGen allele CA024058.